The following is an entry in ClinVar:

NM_000532.5(PCCB):c.14T>G (p.Leu5Ter)

Gene: PCCB (propionyl-CoA carboxylase subunit beta; plus strand). Cytogenetic location: 3q22.3.
Variant type: single nucleotide variant.
Coding change: c.14T>G on transcript NM_000532.5 (MANE Select); coding-DNA position 14, T replaced by G.
Protein change: p.Leu5Ter; replaces leucine 5 with a stop codon.
Molecular consequence: nonsense.
Genome position (GRCh38, 1-based): chr3:136,250,389, T>G. VCF-style: chr3-136250389-T-G. GRCh37 (hg19) VCF-style: chr3-135969231-T-G.
Other names: c.14T>G, p.Leu5Ter (NM_001178014.2); short protein forms L5*.
Identifiers: ClinVar variation 556077 (VCV000556077.8), dbSNP rs1292452485, ClinGen allele CA354737829.

ClinVar aggregate classification (germline): Pathogenic/Likely pathogenic. Review status: criteria provided, multiple submitters, no conflicts (2 of 4 stars). 3 submissions from 3 submitters: Pathogenic (1); Likely pathogenic (1). 1 of the submissions does not count toward it. Last evaluated 2023-04-14.

Conditions:
Propionic acidemia (PROP). Also called: GLYCINEMIA, KETOTIC; HYPERGLYCINEMIA WITH KETOACIDOSIS AND LEUKOPENIA; KETOTIC HYPERGLYCINEMIA. Identifiers: Orphanet 35, MedGen C0268579, MONDO:0011628, OMIM 606054, HP:0003571.

Submissions (3):

Baylor Genetics
Classification: Likely pathogenic for Propionic acidemia. Last evaluated: 2023-04-14. Review status: criteria provided, single submitter. Criteria: ACMG Guidelines, 2015. Collection method: clinical testing. Allele origin: unknown.

Labcorp Genetics (formerly Invitae), Labcorp
Classification: Pathogenic for Propionic acidemia. Last evaluated: 2023-04-06. Review status: criteria provided, single submitter. Criteria: Invitae Variant Classification Sherloc (09022015). Collection method: clinical testing. Allele origin: germline.
Comment: This sequence change creates a premature translational stop signal (p.Leu5*) in the PCCB gene. It is expected to result in an absent or disrupted protein product. Loss-of-function variants in PCCB are known to be pathogenic (PMID: 15464417). This variant is not present in population databases (gnomAD no frequency). This variant has not been reported in the literature in individuals affected with PCCB-related conditions. ClinVar contains an entry for this variant (Variation ID: 556077). For these reasons, this variant has been classified as Pathogenic.

Counsyl
Classification: Likely pathogenic for Propionic acidemia. Last evaluated: 2018-01-10. Review status: no assertion criteria provided. Collection method: clinical testing. Allele origin: unknown. Not counted in ClinVar's aggregate classification.

Literature cited by the submitters: PubMed 15464417 (cited by Labcorp Genetics (formerly Invitae), Labcorp).